The following is an entry in ClinVar:

NM_002439.5(MSH3):c.1528C>G (p.Leu510Val)

Gene: MSH3 (mutS homolog 3; plus strand). Cytogenetic location: 5q14.1.
Variant type: single nucleotide variant.
Coding change: c.1528C>G on transcript NM_002439.5 (MANE Select); coding-DNA position 1528, C replaced by G.
Protein change: p.Leu510Val; replaces leucine 510 with valine.
Molecular consequence: missense variant.
Genome position (GRCh38, 1-based): chr5:80,728,925, C>G. VCF-style: chr5-80728925-C-G. GRCh37 (hg19) VCF-style: chr5-80024744-C-G.
Other names: c.1528C>G (NM_002439.3); short protein forms L510V.
Identifiers: ClinVar variation 2024473 (VCV002024473.5), dbSNP rs751775883, ClinGen allele CA3327948.

ClinVar aggregate classification (germline): Uncertain significance. Review status: criteria provided, multiple submitters, no conflicts (2 of 4 stars). 2 submissions from 2 submitters: Uncertain significance (2). Last evaluated 2025-04-11.

Conditions:
Hereditary cancer-predisposing syndrome. Also called: Neoplastic Syndromes, Hereditary; Tumor predisposition; Hereditary Cancer Syndrome; Hereditary neoplastic syndrome. Identifiers: Orphanet 140162, MedGen C0027672, MeSH D009386, MONDO:0015356.

Allele frequency attached by ClinVar (database versions not stated): ExAC 0.00001.
gnomAD v4.1: 1 of 1,611,498 alleles (0.000062%); highest among the groups gnomAD compares: Non-Finnish European, 0.000085%; no homozygotes.

Submissions (2):

Ambry Genetics
Classification: Uncertain significance for Hereditary cancer-predisposing syndrome. Last evaluated: 2025-04-11. Review status: criteria provided, single submitter. Criteria: Ambry Variant Classification Scheme 2023. Collection method: clinical testing. Allele origin: germline.
Comment: The p.L510V variant (also known as c.1528C>G), located in coding exon 10 of the MSH3 gene, results from a C to G substitution at nucleotide position 1528. The leucine at codon 510 is replaced by valine, an amino acid with highly similar properties. This amino acid position is conserved. In addition, the in silico prediction for this alteration is inconclusive. Based on the available evidence, the clinical significance of this variant remains unclear.

Labcorp Genetics (formerly Invitae), Labcorp
Classification: Uncertain significance. Last evaluated: 2022-03-08. Review status: criteria provided, single submitter. Criteria: Invitae Variant Classification Sherloc (09022015). Collection method: clinical testing. Allele origin: germline.
Comment: In summary, the available evidence is currently insufficient to determine the role of this variant in disease. Therefore, it has been classified as a Variant of Uncertain Significance. Algorithms developed to predict the effect of missense changes on protein structure and function are either unavailable or do not agree on the potential impact of this missense change (SIFT: "Tolerated"; PolyPhen-2: "Probably Damaging"; Align-GVGD: "Class C0"). This variant has not been reported in the literature in individuals affected with MSH3-related conditions. This variant is present in population databases (rs751775883, gnomAD 0.0009%). This sequence change replaces leucine, which is neutral and non-polar, with valine, which is neutral and non-polar, at codon 510 of the MSH3 protein (p.Leu510Val).